The following is an entry in ClinVar:

ClinVar aggregate classification (germline): Uncertain significance. Review status: criteria provided, multiple submitters, no conflicts (2 of 4 stars). 3 submissions from 3 submitters: Uncertain significance (3). Last evaluated 2025-06-28.

Conditions:
Cardiomyopathy (CMYO). Also called: Cardiomyopathies. Identifiers: Orphanet 167848, MedGen C0878544, MONDO:0004994, HP:0001638. Inheritance: Various modes of inheritance.
Cardiovascular phenotype. Identifiers: MedGen CN230736.
Dilated cardiomyopathy 1II (CMD1II). Identifiers: Orphanet 154, MedGen C3554649, MONDO:0014073, OMIM 615184.

Allele frequency attached by ClinVar (database versions not stated): gnomAD 0.00001; TOPMed below 0.00001.
gnomAD v4.1: 7 of 1,613,980 alleles (0.00043%); highest among the groups gnomAD compares: Non-Finnish European, 0.00042%; no homozygotes.

Submissions (3):

Ambry Genetics
Classification: Uncertain significance for Cardiovascular phenotype. Last evaluated: 2025-06-28. Review status: criteria provided, single submitter. Criteria: Ambry Variant Classification Scheme 2023. Collection method: clinical testing. Allele origin: germline.
Comment: The p.L143F variant (also known as c.427C>T), located in coding exon 3 of the CRYAB gene, results from a C to T substitution at nucleotide position 427. The leucine at codon 143 is replaced by phenylalanine, an amino acid with highly similar properties. This amino acid position is conserved. In addition, this alteration is predicted to be deleterious by in silico analysis. Based on the available evidence, the clinical significance of this variant remains unclear.

Labcorp Genetics (formerly Invitae), Labcorp
Classification: Uncertain significance for Dilated cardiomyopathy 1II. Last evaluated: 2025-02-16. Review status: criteria provided, single submitter. Criteria: Invitae Variant Classification Sherloc (09022015). Collection method: clinical testing. Allele origin: germline.
Comment: This sequence change replaces leucine, which is neutral and non-polar, with phenylalanine, which is neutral and non-polar, at codon 143 of the CRYAB protein (p.Leu143Phe). This variant is not present in population databases (gnomAD no frequency). This variant has not been reported in the literature in individuals affected with CRYAB-related conditions. ClinVar contains an entry for this variant (Variation ID: 915576). An algorithm developed to predict the effect of missense changes on protein structure and function (PolyPhen-2) suggests that this variant is likely to be disruptive. In summary, the available evidence is currently insufficient to determine the role of this variant in disease. Therefore, it has been classified as a Variant of Uncertain Significance.

CHEO Genetics Diagnostic Laboratory, Children's Hospital of Eastern Ontario
Classification: Uncertain significance for Cardiomyopathy. Last evaluated: 2019-03-05. Review status: criteria provided, single submitter. Criteria: ACMG Guidelines, 2015. Collection method: clinical testing. Allele origin: germline.

NM_001289808.2(CRYAB):c.427C>T (p.Leu143Phe)

Gene: CRYAB (crystallin alpha B; minus strand). Cytogenetic location: 11q23.1.
Variant type: single nucleotide variant.
Coding change: c.427C>T on transcript NM_001289808.2 (MANE Select); coding-DNA position 427, C replaced by T.
Protein change: p.Leu143Phe; replaces leucine 143 with phenylalanine.
Molecular consequence: missense variant.
Genome position (GRCh38, 1-based): chr11:111,908,865, G>A on the plus strand (C>T on the coding strand, the complement: CRYAB is on the minus strand). VCF-style: chr11-111908865-G-A. GRCh37 (hg19) VCF-style: chr11-111779589-G-A.
Other names: c.427C>T, p.Leu143Phe (NM_001289807.1, NM_001368245.1, NM_001885.3); c.226C>T, p.Leu76Phe (NM_001330379.1, NM_001368246.1); short protein forms L76F, L143F.
Identifiers: ClinVar variation 915576 (VCV000915576.4), dbSNP rs782629197, ClinGen allele CA382596116.